The following is an entry in ClinVar:

ClinVar aggregate classification (germline): Likely benign. Review status: criteria provided, multiple submitters, no conflicts (2 of 4 stars). 4 submissions from 4 submitters: Likely benign (4). Last evaluated 2025-10-07.

Conditions:
Combined oxidative phosphorylation defect type 27. Also called: Combined oxidative phosphorylation deficiency 27. Identifiers: Orphanet 477774, MedGen C5567608, MONDO:0014728, OMIM 616672.

Allele frequency attached by ClinVar (database versions not stated): gnomAD 0.00007 and 0.00008; TOPMed 0.00018; ExAC 0.00021.
gnomAD v4.1: 121 of 1,606,218 alleles (0.0075%); highest among the groups gnomAD compares: Admixed American, 0.022%; no homozygotes.

Submissions (4):

Labcorp Genetics (formerly Invitae), Labcorp
Classification: Likely benign for Combined oxidative phosphorylation defect type 27. Last evaluated: 2025-10-07. Review status: criteria provided, single submitter. Criteria: Invitae Variant Classification Sherloc (09022015). Collection method: clinical testing. Allele origin: germline.

Blueprint Genetics
Classification: Likely benign. Last evaluated: 2024-11-07. Review status: criteria provided, single submitter. Criteria: ACMG Guidelines, 2015. Collection method: clinical testing. Allele origin: germline.

Fulgent Genetics
Classification: Likely benign for Combined oxidative phosphorylation defect type 27. Last evaluated: 2022-04-04. Review status: criteria provided, single submitter. Criteria: ACMG Guidelines, 2015. Collection method: clinical testing. Allele origin: unknown.

GeneDx
Classification: Likely benign. Last evaluated: 2017-08-10. Review status: criteria provided, single submitter. Criteria: GeneDx Variant Classification (06012015). Collection method: clinical testing. Allele origin: germline. Affected: yes.
Comment: This variant is considered likely benign or benign based on one or more of the following criteria: it is a conservative change, it occurs at a poorly conserved position in the protein, it is predicted to be benign by multiple in silico algorithms, and/or has population frequency not consistent with disease.

NM_024537.4(CARS2):c.1503G>A (p.Ala501=)

Gene: CARS2 (cysteinyl-tRNA synthetase 2, mitochondrial; minus strand). Cytogenetic location: 13q34.
Variant type: single nucleotide variant.
Coding change: c.1503G>A on transcript NM_024537.4 (MANE Select); coding-DNA position 1503, G replaced by A.
Protein change: p.Ala501=; no amino-acid change (alanine 501 retained).
Molecular consequence: synonymous variant. On other transcripts: non-coding transcript variant (2).
Genome position (GRCh38, 1-based): chr13:110,642,435, C>T on the plus strand (G>A on the coding strand, the complement: CARS2 is on the minus strand). VCF-style: chr13-110642435-C-T. GRCh37 (hg19) VCF-style: chr13-111294782-C-T.
Other names: c.717G>A, p.Ala239= (NM_001352252.2).
Identifiers: ClinVar variation 386508 (VCV000386508.13), dbSNP rs753425826, ClinGen allele CA7051628.